The following is an entry in ClinVar:

ClinVar aggregate classification (germline): Pathogenic/Likely pathogenic. Review status: criteria provided, multiple submitters, no conflicts (2 of 4 stars). 2 submissions from 2 submitters: Pathogenic (1); Likely pathogenic (1). Last evaluated 2025-07-18.

Submissions (2):

Labcorp Genetics (formerly Invitae), Labcorp
Classification: Pathogenic. Last evaluated: 2025-07-18. Review status: criteria provided, single submitter. Criteria: Invitae Variant Classification Sherloc (09022015). Collection method: clinical testing. Allele origin: germline.
Comment: This sequence change creates a premature translational stop signal (p.Val460Glyfs*30) in the UBE3B gene. It is expected to result in an absent or disrupted protein product. Loss-of-function variants in UBE3B are known to be pathogenic (PMID: 23687348, 24615390). This variant is not present in population databases (gnomAD no frequency). This variant has not been reported in the literature in individuals affected with UBE3B-related conditions. ClinVar contains an entry for this variant (Variation ID: 3361830). For these reasons, this variant has been classified as Pathogenic.

GeneDx
Classification: Likely pathogenic. Last evaluated: 2024-04-02. Review status: criteria provided, single submitter. Criteria: GeneDx Variant Classification Process June 2021. Collection method: clinical testing. Allele origin: germline. Affected: yes.
Comment: Frameshift variant predicted to result in protein truncation or nonsense mediated decay in a gene for which loss of function is a known mechanism of disease; Not observed at significant frequency in large population cohorts (gnomAD); Has not been previously published as pathogenic or benign to our knowledge

Literature cited by the submitters: PubMed 23687348 (cited by Labcorp Genetics (formerly Invitae), Labcorp); PubMed 24615390 (cited by Labcorp Genetics (formerly Invitae), Labcorp).

NM_130466.4(UBE3B):c.1376dup (p.Val460fs)

Gene: UBE3B (ubiquitin protein ligase E3B; plus strand). Cytogenetic location: 12q24.11.
Variant type: Duplication.
Coding change: c.1376dup on transcript NM_130466.4 (MANE Select); coding-DNA position 1376, one base duplicated (A; older notation c.1376dupA).
Protein change: p.Val460fs; shifts the reading frame from valine 460.
Molecular consequence: frameshift variant.
Genome position (GRCh38, 1-based): chr12:109,503,116, A duplicated; the last of 2 consecutive A bases (chr12:109,503,115-109,503,116); duplicating either gives the same sequence. VCF-style (leftmost placement, unchanged base first): chr12-109503114-G-GA. GRCh37 (hg19) VCF-style: chr12-109940919-G-GA.
Other names: c.1376dup, p.Val460fs (NM_183415.3); short protein forms V460fs.
Identifiers: ClinVar variation 3361830 (VCV003361830.2).